The following is an entry in ClinVar:

NM_198859.4(PRICKLE2):c.1419C>A (p.Tyr473Ter)

Gene: PRICKLE2 (prickle planar cell polarity protein 2; minus strand). Cytogenetic location: 3p14.1.
Variant type: single nucleotide variant.
Coding change: c.1419C>A on transcript NM_198859.4 (MANE Select); coding-DNA position 1419, C replaced by A.
Protein change: p.Tyr473Ter; replaces tyrosine 473 with a stop codon.
Molecular consequence: nonsense.
Genome position (GRCh38, 1-based): chr3:64,147,071, G>T on the plus strand (C>A on the coding strand, the complement: PRICKLE2 is on the minus strand). VCF-style: chr3-64147071-G-T. GRCh37 (hg19) VCF-style: chr3-64132747-G-T.
Other names: c.1419C>A, p.Tyr473Ter (NM_001370528.1); short protein forms Y473*.
Identifiers: ClinVar variation 4992431 (VCV004992431.1).

ClinVar aggregate classification (germline): Uncertain significance (1 of 4 stars; one submission).

Conditions:
PRICKLE2-related disorder. Also called: PRICKLE2-related condition.

Submission:

PreventionGenetics, part of Exact Sciences
Classification: Uncertain significance for PRICKLE2-related condition. Last evaluated: 2025-11-12. Review status: criteria provided, single submitter. Criteria: ACMG Guidelines, 2015. Collection method: clinical testing. Allele origin: germline.
Comment: The PRICKLE2 c.1419C>A variant is predicted to result in premature protein termination (p.Tyr473*). To our knowledge, this variant has not been reported in the literature or in a large population database (gnomAD), indicating this variant is rare. Although we suspect this variant may be pathogenic, at this time, this variant is interpreted as uncertain.